The following is an entry in ClinVar:

NM_001197104.2(KMT2A):c.7354C>A (p.Pro2452Thr)

Gene: KMT2A (lysine methyltransferase 2A; plus strand). Cytogenetic location: 11q23.3.
Variant type: single nucleotide variant.
Coding change: c.7354C>A on transcript NM_001197104.2 (MANE Select); coding-DNA position 7354, C replaced by A.
Protein change: p.Pro2452Thr; replaces proline 2452 with threonine.
Molecular consequence: missense variant.
Genome position (GRCh38, 1-based): chr11:118,503,246, C>A. VCF-style: chr11-118503246-C-A. GRCh37 (hg19) VCF-style: chr11-118373961-C-A.
Other names: c.7444C>A, p.Pro2482Thr (NM_001412597.1); c.7345C>A, p.Pro2449Thr (NM_005933.4); short protein forms P2449T, P2452T, P2482T.
Identifiers: ClinVar variation 1954564 (VCV001954564.5), dbSNP rs2134391388, ClinGen allele CA382805236.

ClinVar aggregate classification (germline): Uncertain significance (1 of 4 stars; one submission).

gnomAD v4.1: 1 of 1,613,918 alleles (0.000062%); highest among the groups gnomAD compares: Admixed American, 0.0017%; no homozygotes.

Submission:

Labcorp Genetics (formerly Invitae), Labcorp
Classification: Uncertain significance. Last evaluated: 2024-07-24. Review status: criteria provided, single submitter. Criteria: Invitae Variant Classification Sherloc (09022015). Collection method: clinical testing. Allele origin: germline.
Comment: This sequence change replaces proline, which is neutral and non-polar, with threonine, which is neutral and polar, at codon 2452 of the KMT2A protein (p.Pro2452Thr). This variant is not present in population databases (gnomAD no frequency). This variant has not been reported in the literature in individuals affected with KMT2A-related conditions. ClinVar contains an entry for this variant (Variation ID: 1954564). Advanced modeling of protein sequence and biophysical properties (such as structural, functional, and spatial information, amino acid conservation, physicochemical variation, residue mobility, and thermodynamic stability) performed at Invitae indicates that this missense variant is not expected to disrupt KMT2A protein function with a negative predictive value of 95%. In summary, the available evidence is currently insufficient to determine the role of this variant in disease. Therefore, it has been classified as a Variant of Uncertain Significance.